The following is an entry in ClinVar:

ClinVar aggregate classification (germline): Uncertain significance (1 of 4 stars; one submission).

Submission:

Labcorp Genetics (formerly Invitae), Labcorp
Classification: Uncertain significance. Last evaluated: 2024-10-30. Review status: criteria provided, single submitter. Criteria: Invitae Variant Classification Sherloc (09022015). Collection method: clinical testing. Allele origin: germline.
Comment: This sequence change replaces methionine, which is neutral and non-polar, with isoleucine, which is neutral and non-polar, at codon 27 of the SMARCB1 protein (p.Met27Ile). This variant is not present in population databases (gnomAD no frequency). This variant has not been reported in the literature in individuals affected with SMARCB1-related conditions. An algorithm developed to predict the effect of missense changes on protein structure and function (PolyPhen-2) suggests that this variant is likely to be tolerated. This variant disrupts the p.Met27 amino acid residue in SMARCB1. Other variant(s) that disrupt this residue have been determined to be pathogenic (PMID: 24362817; internal data). This suggests that this residue is clinically significant, and that variants that disrupt this residue are likely to be disease-causing. In summary, the available evidence is currently insufficient to determine the role of this variant in disease. Therefore, it has been classified as a Variant of Uncertain Significance.

Literature cited by the submitters: PubMed 24362817.

NM_003073.5(SMARCB1):c.81G>C (p.Met27Ile)

Gene: SMARCB1 (SWI/SNF related BAF chromatin remodeling complex subunit B1; plus strand). Cytogenetic location: 22q11.23.
Variant type: single nucleotide variant.
Coding change: c.81G>C on transcript NM_003073.5 (MANE Select); coding-DNA position 81, G replaced by C.
Protein change: p.Met27Ile; replaces methionine 27 with isoleucine.
Molecular consequence: missense variant.
Genome position (GRCh38, 1-based): chr22:23,787,250, G>C. VCF-style: chr22-23787250-G-C. GRCh37 (hg19) VCF-style: chr22-24129437-G-C.
Other names: c.81G>C, p.Met27Ile (NM_001007468.3, NM_001317946.2, NM_001362877.2); short protein forms M27I.
Identifiers: ClinVar variation 3724143 (VCV003724143.2).
Genomic context (GRCh38, chr22:23,787,250, plus strand): 5'-CAAGACCTTCGGGCAGAAGCCCGTGAAGTTCCAGCTGGAGGACGACGGCGAGTTCTACAT[G>C]ATCGGCTCCGAGGTAGCCCGGGGCGCGTTCTCGCCCTCCCCGGGCTCGGCCCCGCGGGAG-3'
Protein context (NP_003064.2, residues 17-37): FQLEDDGEFY[Met27Ile]IGSEVGNYLR